The following is an entry in ClinVar:

ClinVar aggregate classification (germline): Likely benign. Review status: criteria provided, multiple submitters, no conflicts (2 of 4 stars). 2 submissions from 2 submitters: Likely benign (2). Last evaluated 2025-12-17.

Conditions:
Autosomal recessive limb-girdle muscular dystrophy type 2K. Also called: MUSCULAR DYSTROPHY-DYSTROGLYCANOPATHY (LIMB-GIRDLE), TYPE C, 1; MUSCULAR DYSTROPHY, LIMB-GIRDLE, TYPE 2K. Identifiers: Orphanet 86812, MedGen C1836373, MONDO:0012248, OMIM 609308.
Muscular dystrophy-dystroglycanopathy (congenital with impaired intellectual development), type B, 1. Also called: Muscular dystrophy-dystroglycanopathy (congenital with intellectual disability), type B1; MUSCULAR DYSTROPHY, CONGENITAL, POMT1-RELATED. Identifiers: MedGen C5436962, MONDO:0013159, OMIM 613155.
Walker-Warburg congenital muscular dystrophy. Also called: Muscular dystrophy-dystroglycanopathy, type A; Walker-Warburg syndrome. Identifiers: Orphanet 899, MedGen C0265221, MONDO:0000171.

Allele frequency attached by ClinVar (database versions not stated): TOPMed 0.00001.
gnomAD v4.1: 23 of 1,614,108 alleles (0.0014%); highest among the groups gnomAD compares: South Asian, 0.018%; no homozygotes.

Submissions (2):

Labcorp Genetics (formerly Invitae), Labcorp
Classification: Likely benign for Muscular dystrophy-dystroglycanopathy (congenital with impaired intellectual development), type B, 1; Walker-Warburg congenital muscular dystrophy; Autosomal recessive limb-girdle muscular dystrophy type 2K. Last evaluated: 2025-12-17. Review status: criteria provided, single submitter. Criteria: Invitae Variant Classification Sherloc (09022015). Collection method: clinical testing. Allele origin: germline.

GeneDx
Classification: Likely benign. Last evaluated: 2017-06-01. Review status: criteria provided, single submitter. Criteria: GeneDx Variant Classification (06012015). Collection method: clinical testing. Allele origin: germline. Affected: yes.
Comment: This variant is considered likely benign or benign based on one or more of the following criteria: it is a conservative change, it occurs at a poorly conserved position in the protein, it is predicted to be benign by multiple in silico algorithms, and/or has population frequency not consistent with disease.

NM_001077365.2(POMT1):c.633C>T (p.Tyr211=)

Gene: POMT1 (protein O-mannosyltransferase 1; plus strand). Cytogenetic location: 9q34.13.
Variant type: single nucleotide variant.
Coding change: c.633C>T on transcript NM_001077365.2 (MANE Select); coding-DNA position 633, C replaced by T.
Protein change: p.Tyr211=; no amino-acid change (tyrosine 211 retained).
Molecular consequence: synonymous variant. On other transcripts: non-coding transcript variant (10).
Genome position (GRCh38, 1-based): chr9:131,509,930, C>T. VCF-style: chr9-131509930-C-T. GRCh37 (hg19) VCF-style: chr9-134385317-C-T.
Other names: c.471C>T, p.Tyr157= (NM_001077366.2, NM_001353194.2, NM_001353197.2 and 3 more transcripts); c.633C>T, p.Tyr211= (NM_001136113.2, NM_001353193.2, NM_001374690.1 and 1 more transcripts); c.282C>T, p.Tyr94= (NM_001136114.2, NM_001353195.2, NM_001353199.2 and 2 more transcripts); c.543C>T, p.Tyr181= (NM_001353196.2); c.177C>T, p.Tyr59= (NM_001353200.2, NM_001374695.1).
Identifiers: ClinVar variation 509890 (VCV000509890.9), dbSNP rs747129906, ClinGen allele CA5293360.